The following is an entry in ClinVar:

NM_020937.4(FANCM):c.3202G>A (p.Asp1068Asn)

Gene: FANCM (FA complementation group M; plus strand). Cytogenetic location: 14q21.2.
Variant type: single nucleotide variant.
Coding change: c.3202G>A on transcript NM_020937.4 (MANE Select); coding-DNA position 3202, G replaced by A.
Protein change: p.Asp1068Asn; replaces aspartic acid 1068 with asparagine.
Molecular consequence: missense variant.
Genome position (GRCh38, 1-based): chr14:45,175,956, G>A. VCF-style: chr14-45175956-G-A. GRCh37 (hg19) VCF-style: chr14-45645159-G-A.
Other names: c.3124G>A, p.Asp1042Asn (NM_001308133.2); short protein forms D1042N, D1068N.
Identifiers: ClinVar variation 3848629 (VCV003848629.1).

ClinVar aggregate classification (germline): Uncertain significance (1 of 4 stars; one submission).

Conditions:
Inborn genetic diseases. Identifiers: MedGen C0950123, MeSH D030342.

Submission:

Ambry Genetics
Classification: Uncertain significance for Inborn genetic diseases. Last evaluated: 2025-01-14. Review status: criteria provided, single submitter. Criteria: Ambry Variant Classification Scheme 2023. Collection method: clinical testing. Allele origin: germline.
Comment: The p.D1068N variant (also known as c.3202G>A), located in coding exon 14 of the FANCM gene, results from a G to A substitution at nucleotide position 3202. The aspartic acid at codon 1068 is replaced by asparagine, an amino acid with highly similar properties. This amino acid position is conserved. In addition, this alteration is predicted to be tolerated by in silico analysis. Based on the available evidence, the clinical significance of this variant remains unclear.